The following is an entry in ClinVar:

NM_000310.4(PPT1):c.513G>A (p.Ala171=)

Gene: PPT1 (palmitoyl-protein thioesterase 1; minus strand). Cytogenetic location: 1p34.2.
Variant type: single nucleotide variant.
Coding change: c.513G>A on transcript NM_000310.4 (MANE Select); coding-DNA position 513, G replaced by A.
Protein change: p.Ala171=; no amino-acid change (alanine 171 retained).
Molecular consequence: synonymous variant.
Genome position (GRCh38, 1-based): chr1:40,089,433, C>T on the plus strand (G>A on the coding strand, the complement: PPT1 is on the minus strand). VCF-style: chr1-40089433-C-T. GRCh37 (hg19) VCF-style: chr1-40555105-C-T.
Other names: c.204G>A, p.Ala68= (NM_001142604.2); c.513G>A, p.Ala171= (NM_001363695.2).
Identifiers: ClinVar variation 516506 (VCV000516506.17), dbSNP rs150924738, ClinGen allele CA789674.

ClinVar aggregate classification (germline): Likely benign. Review status: criteria provided, multiple submitters, no conflicts (2 of 4 stars). 5 submissions from 5 submitters: Likely benign (4). 1 of the submissions does not count toward it. Last evaluated 2025-11-15.

Conditions:
Inborn genetic diseases. Identifiers: MedGen C0950123, MeSH D030342.
Neuronal ceroid lipofuscinosis 1 (CLN1). Also called: CEROID LIPOFUSCINOSIS, NEURONAL, 1, VARIABLE AGE AT ONSET; PPT1-Related Neuronal Ceroid-Lipofuscinosis. Identifiers: Orphanet 228329, MedGen C1850451, MONDO:0009744, OMIM 256730.
PPT1-related disorder. Also called: PPT1-related condition.

Allele frequency attached by ClinVar (database versions not stated): gnomAD exomes 0.00005; ExAC 0.00006; TOPMed 0.00007; gnomAD 0.00009 and 0.00010; ESP Exome Variant Server 0.00015.

Submissions (5):

Labcorp Genetics (formerly Invitae), Labcorp
Classification: Likely benign for Neuronal ceroid lipofuscinosis 1. Last evaluated: 2025-11-15. Review status: criteria provided, single submitter. Criteria: Invitae Variant Classification Sherloc (09022015). Collection method: clinical testing. Allele origin: germline.

Ambry Genetics
Classification: Likely benign for Inborn genetic diseases. Last evaluated: 2025-03-20. Review status: criteria provided, single submitter. Criteria: Ambry Variant Classification Scheme 2023. Collection method: clinical testing. Allele origin: germline.

Blueprint Genetics
Classification: Likely benign. Last evaluated: 2022-03-22. Review status: criteria provided, single submitter. Criteria: ACMG Guidelines, 2015. Collection method: clinical testing. Allele origin: germline.

GeneDx
Classification: Likely benign. Last evaluated: 2017-04-21. Review status: criteria provided, single submitter. Criteria: GeneDx Variant Classification (06012015). Collection method: clinical testing. Allele origin: germline. Affected: yes.
Comment: This variant is considered likely benign or benign based on one or more of the following criteria: it is a conservative change, it occurs at a poorly conserved position in the protein, it is predicted to be benign by multiple in silico algorithms, and/or has population frequency not consistent with disease.

PreventionGenetics, part of Exact Sciences
Classification: Likely benign for PPT1-related condition. Last evaluated: 2019-07-12. Review status: no assertion criteria provided. Collection method: clinical testing. Allele origin: germline. Not counted in ClinVar's aggregate classification.
Comment: This variant is classified as likely benign based on ACMG/AMP sequence variant interpretation guidelines (Richards et al. 2015 PMID: 25741868, with internal and published modifications).